The following is an entry in ClinVar:

NM_024529.5(CDC73):c.1367G>A (p.Gly456Asp)

Gene: CDC73 (cell division cycle 73; plus strand). Cytogenetic location: 1q31.2.
Variant type: single nucleotide variant.
Coding change: c.1367G>A on transcript NM_024529.5 (MANE Select); coding-DNA position 1367, G replaced by A.
Protein change: p.Gly456Asp; replaces glycine 456 with aspartic acid.
Molecular consequence: missense variant.
Genome position (GRCh38, 1-based): chr1:193,236,306, G>A. VCF-style: chr1-193236306-G-A. GRCh37 (hg19) VCF-style: chr1-193205436-G-A.
Other names: short protein forms G456D.
Identifiers: ClinVar variation 4824176 (VCV004824176.1).

ClinVar aggregate classification (germline): Uncertain significance (1 of 4 stars; one submission).

Conditions:
Hereditary cancer-predisposing syndrome. Also called: Neoplastic Syndromes, Hereditary; Hereditary neoplastic syndrome; Tumor predisposition; Hereditary Cancer Syndrome. Identifiers: Orphanet 140162, MedGen C0027672, MeSH D009386, MONDO:0015356.

Submission:

Ambry Genetics
Classification: Uncertain significance for Hereditary cancer-predisposing syndrome. Last evaluated: 2026-02-13. Review status: criteria provided, single submitter. Criteria: Ambry Variant Classification Scheme 2023. Collection method: clinical testing. Allele origin: germline.
Comment: The p.G456D variant (also known as c.1367G>A), located in coding exon 15 of the CDC73 gene, results from a G to A substitution at nucleotide position 1367. The glycine at codon 456 is replaced by aspartic acid, an amino acid with similar properties. This amino acid position is conserved. In addition, the in silico prediction for this alteration is inconclusive. Based on the available evidence, the clinical significance of this variant remains unclear.